The following is an entry in ClinVar:

NM_005215.4(DCC):c.4058C>T (p.Pro1353Leu)

Gene: DCC (DCC netrin 1 receptor; plus strand). Cytogenetic location: 18q21.2.
Variant type: single nucleotide variant.
Coding change: c.4058C>T on transcript NM_005215.4 (MANE Select); coding-DNA position 4058, C replaced by T.
Protein change: p.Pro1353Leu; replaces proline 1353 with leucine.
Molecular consequence: missense variant.
Genome position (GRCh38, 1-based): chr18:53,499,457, C>T. VCF-style: chr18-53499457-C-T. GRCh37 (hg19) VCF-style: chr18-51025827-C-T.
Other names: short protein forms P1353L.
Identifiers: ClinVar variation 1308082 (VCV001308082.2), dbSNP rs559961060, ClinGen allele CA8967706.

ClinVar aggregate classification (germline): Uncertain significance (1 of 4 stars; one submission).

Allele frequency attached by ClinVar (database versions not stated): gnomAD exomes below 0.00001 and 0.00001; TOPMed below 0.00001; ExAC 0.00001.
gnomAD v4.1: 7 of 1,614,124 alleles (0.00043%); highest among the groups gnomAD compares: Non-Finnish European, 0.00059%; no homozygotes.

Submission:

GeneDx
Classification: Uncertain significance. Last evaluated: 2019-08-23. Review status: criteria provided, single submitter. Criteria: GeneDx Variant Classification Process June 2021. Collection method: clinical testing. Allele origin: germline. Affected: yes.
Comment: Not observed at a significant frequency in large population cohorts (Lek et al., 2016); In silico analysis, which includes protein predictors and evolutionary conservation, supports a deleterious effect; Has not been previously published as pathogenic or benign to our knowledge